The following is an entry in ClinVar:

ClinVar aggregate classification (germline): Uncertain significance (1 of 4 stars; one submission).

Submission:

GeneDx
Classification: Uncertain significance. Last evaluated: 2017-09-13. Review status: criteria provided, single submitter. Criteria: GeneDx Variant Classification (06012015). Collection method: clinical testing. Allele origin: germline. Affected: yes.
Comment: A variant of uncertain significance has been identified in the COL5A2 gene. The c.2715+4 A>G variant has not been published as pathogenic or been reported as benign to our knowledge. This variant is not observed in large population cohorts (Lek et al., 2016). The c.2715+4 A>G variant is predicted to destroy the natural splice donor site in intron 40 and may lead to abnormal gene splicing. Other splice site variants in the COL5A2 gene have been reported in HGMD in association with cEDS (Stenson et al., 2014). However, in the absence of functional mRNA studies, the physiological consequence of this variant cannot be precisely determined.

NM_000393.5(COL5A2):c.2715+4A>G

Gene: COL5A2 (collagen type V alpha 2 chain; minus strand). Cytogenetic location: 2q32.2.
Variant type: single nucleotide variant.
Coding change: c.2715+4A>G on transcript NM_000393.5 (MANE Select); 4 bases into the intron after coding-DNA position 2715, A replaced by G.
Molecular consequence: intron variant.
Genome position (GRCh38, 1-based): chr2:189,052,745, T>C on the plus strand (A>G on the coding strand, the complement: COL5A2 is on the minus strand). VCF-style: chr2-189052745-T-C. GRCh37 (hg19) VCF-style: chr2-189917471-T-C.
Identifiers: ClinVar variation 452041 (VCV000452041.2), dbSNP rs1553514423, ClinGen allele CA658657192.